The following is an entry in ClinVar:

NM_001161352.2(KCNMA1):c.55_63dup (p.Ser21_Ser22insGlyGlySer)

Gene: KCNMA1 (potassium calcium-activated channel subfamily M alpha 1; minus strand). Cytogenetic location: 10q22.3.
Variant type: Duplication.
Coding change: c.55_63dup on transcript NM_001161352.2 (MANE Select); coding-DNA positions 55 to 63, 9 bases duplicated (GGAGGCAGC; older notation c.55_63dupGGAGGCAGC).
Protein change: p.Ser21_Ser22insGlyGlySer.
Molecular consequence: inframe insertion. On other transcripts: inframe indel (1).
Genome position (GRCh38, 1-based): chr10:77,637,580-77,637,588, GCTGCCTCC duplicated on the plus strand (GGAGGCAGC on the coding strand, the reverse complement: KCNMA1 is on the minus strand); duplicating any 9 consecutive bases within chr10:77,637,580-77,637,590 gives the same sequence; the c. name uses the placement nearest the transcript's 3' end. VCF-style (leftmost placement, unchanged base first): chr10-77637579-T-TGCTGCCTCC. GRCh37 (hg19) VCF-style: chr10-79397337-T-TGCTGCCTCC.
Other names: c.55_63dup, p.Ser21_Ser22insGlyGlySer (NM_001014797.3, NM_001271519.2, NM_001271520.2 and 12 more transcripts); c.53_61dup, p.Ser21_Ser22insGlyGlySer (NM_001410940.1).
Identifiers: ClinVar variation 2040945 (VCV002040945.4), dbSNP rs2552275438, ClinGen allele CA2580081998.

ClinVar aggregate classification (germline): Uncertain significance (1 of 4 stars; one submission).

Conditions:
Generalized epilepsy-paroxysmal dyskinesia syndrome (PNKD3). Also called: Paroxysmal nonkinesigenic dyskinesia, 3, with or without generalized epilepsy; Generalized epilepsy and paroxysmal dyskinesia. Identifiers: Orphanet 79137, MedGen C5574945, MONDO:0012276, OMIM 609446.

Submission:

Labcorp Genetics (formerly Invitae), Labcorp
Classification: Uncertain significance for Generalized epilepsy-paroxysmal dyskinesia syndrome. Last evaluated: 2022-06-24. Review status: criteria provided, single submitter. Criteria: Invitae Variant Classification Sherloc (09022015). Collection method: clinical testing. Allele origin: germline.
Comment: In summary, the available evidence is currently insufficient to determine the role of this variant in disease. Therefore, it has been classified as a Variant of Uncertain Significance. This variant has not been reported in the literature in individuals affected with KCNMA1-related conditions. This variant is not present in population databases (gnomAD no frequency). This variant, c.55_63dup, results in the insertion of 3 amino acid(s) of the KCNMA1 protein (p.Gly19_Ser21dup), but otherwise preserves the integrity of the reading frame.